The following is an entry in ClinVar:

NM_001365951.3(KIF1B):c.4075G>A (p.Ala1359Thr)

Gene: KIF1B (kinesin family member 1B; plus strand). Cytogenetic location: 1p36.22.
Variant type: single nucleotide variant.
Coding change: c.4075G>A on transcript NM_001365951.3 (MANE Select); coding-DNA position 4075, G replaced by A.
Protein change: p.Ala1359Thr; replaces alanine 1359 with threonine.
Molecular consequence: missense variant.
Genome position (GRCh38, 1-based): chr1:10,360,948, G>A. VCF-style: chr1-10360948-G-A. GRCh37 (hg19) VCF-style: chr1-10421006-G-A.
Other names: c.4075G>A, p.Ala1359Thr (NM_001365952.1); c.3937G>A, p.Ala1313Thr (NM_015074.3); short protein forms A1313T, A1359T.
Identifiers: ClinVar variation 2561709 (VCV002561709.2), dbSNP rs2521877613, ClinGen allele CA338315722.

ClinVar aggregate classification (germline): Uncertain significance (1 of 4 stars; one submission).

Submission:

Ambry Genetics
Classification: Uncertain significance. Last evaluated: 2023-04-16. Review status: criteria provided, single submitter. Criteria: Ambry Variant Classification Scheme 2023. Collection method: clinical testing. Allele origin: germline.
Comment: The p.A1313T variant (also known as c.3937G>A), located in coding exon 36 of the KIF1B gene, results from a G to A substitution at nucleotide position 3937. The alanine at codon 1313 is replaced by threonine, an amino acid with similar properties. This amino acid position is conserved. In addition, the in silico prediction for this alteration is inconclusive. Since supporting evidence is limited at this time, the clinical significance of this alteration remains unclear.